The following is an entry in ClinVar:

ClinVar aggregate classification (germline): Pathogenic. Review status: criteria provided, single submitter (1 of 4 stars). 2 submissions from 2 submitters: Pathogenic (1). 1 of the submissions does not count toward it. Last evaluated 2020-07-12.

Conditions:
TH-deficient dopa-responsive dystonia. Also called: Tyrosine Hydroxylase-Deficient Dopa-Responsive Dystonia; DYT-TH; Segawa syndrome, autosomal recessive. Identifiers: Orphanet 101150, MedGen C2673535, MONDO:0011551, OMIM 605407.

Submissions (2):

Labcorp Genetics (formerly Invitae), Labcorp
Classification: Pathogenic for TH-deficient dopa-responsive dystonia. Last evaluated: 2020-07-12. Review status: criteria provided, single submitter. Criteria: Invitae Variant Classification Sherloc (09022015). Collection method: clinical testing. Allele origin: germline.
Comment: Loss-of-function variants in TH are known to be pathogenic (PMID: 22264700, 24753243). For these reasons, this variant has been classified as Pathogenic. This variant has not been reported in the literature in individuals with TH-related conditions. ClinVar contains an entry for this variant (Variation ID: 590824). This variant is not present in population databases (ExAC no frequency). This sequence change creates a premature translational stop signal (p.Leu270Glufs*86) in the TH gene. It is expected to result in an absent or disrupted protein product.

SingHealth Duke-NUS Institute of Precision Medicine
Classification: Likely pathogenic for TH-deficient dopa-responsive dystonia. Last evaluated: 2017-06-07. Review status: no assertion criteria provided. Collection method: curation. Allele origin: germline. Affected: no. Not counted in ClinVar's aggregate classification.

Literature cited by the submitters: PubMed 22264700 (cited by Labcorp Genetics (formerly Invitae), Labcorp); PubMed 24753243 (cited by Labcorp Genetics (formerly Invitae), Labcorp).

NM_000360.4(TH):c.714_715del (p.Leu239fs)

Gene: TH (tyrosine hydroxylase; minus strand). Cytogenetic location: 11p15.5.
Variant type: Deletion.
Coding change: c.714_715del on transcript NM_000360.4 (MANE Select); coding-DNA positions 714 to 715, 2 bases deleted (GC; older notation c.714_715delGC).
Protein change: p.Leu239fs; shifts the reading frame from leucine 239.
Molecular consequence: frameshift variant.
Genome position (GRCh38, 1-based): chr11:2,167,013-2,167,014, GC deleted on the plus strand (GC on the coding strand, the reverse complement: TH is on the minus strand); deleting any 2 consecutive bases within chr11:2,167,013-2,167,015 gives the same sequence; the c. name uses the placement nearest the transcript's 3' end. VCF-style (leftmost placement, unchanged base first): chr11-2167012-AGC-A. GRCh37 (hg19) VCF-style: chr11-2188242-AGC-A.
Other names: c.807_808del, p.Leu270fs (NM_199292.3); c.795_796del, p.Leu266fs (NM_199293.3); short protein forms L270fs, L239fs, L266fs.
Identifiers: ClinVar variation 590824 (VCV000590824.7), dbSNP rs1564918287, ClinGen allele CA891862723.